The following is an entry in ClinVar:

ClinVar aggregate classification (germline): Conflicting classifications of pathogenicity. Review status: criteria provided, conflicting classifications (1 of 4 stars). 8 submissions from 8 submitters: Uncertain significance (2); Likely benign (3). 3 of the submissions do not count toward it. Last evaluated 2026-05-01.

Conditions:
Early-infantile DEE. Also called: Early infantile epileptic encephalopathy; Early infantile epileptic encephalopathy with suppression bursts; Ohtahara syndrome. Identifiers: Orphanet 1934, MedGen C0393706, MONDO:0800491.
ST3GAL3-related disorder. Also called: ST3GAL3-related condition; ST3GAL3-Related Disorders.

Allele frequency attached by ClinVar (database versions not stated): gnomAD exomes 0.00092 and 0.00168; TOPMed 0.00096; ExAC 0.00100; gnomAD 0.00101; ESP Exome Variant Server 0.00154; 1000 Genomes Project 0.00020; 1000 Genomes Project 30x 0.00031.
gnomAD v4.1: 2,584 of 1,614,146 alleles (0.16%); highest among the groups gnomAD compares: Non-Finnish European, 0.2%; 5 homozygotes.

Submissions (8):

CeGaT Center for Human Genetics Tuebingen
Classification: Likely benign. Last evaluated: 2026-05-01. Review status: criteria provided, single submitter. Criteria: CeGaT Center For Human Genetics Tuebingen Variant Classification Criteria Version 2. Collection method: clinical testing. Allele origin: germline. Affected: yes. Observed: 6 variant alleles.
Comment: ST3GAL3: BP4, BS2

Labcorp Genetics (formerly Invitae), Labcorp
Classification: Likely benign for Early-infantile DEE. Last evaluated: 2026-01-21. Review status: criteria provided, single submitter. Criteria: Invitae Variant Classification Sherloc (09022015). Collection method: clinical testing. Allele origin: germline.

Athena Diagnostics
Classification: Likely benign. Last evaluated: 2018-10-31. Review status: criteria provided, single submitter. Criteria: Athena Diagnostics Criteria. Collection method: clinical testing. Allele origin: germline.

Eurofins Ntd Llc (ga)
Classification: Uncertain significance. Last evaluated: 2017-01-31. Review status: criteria provided, single submitter. Criteria: EGL Classification Definitions 2015. Collection method: clinical testing. Allele origin: germline. Observed: 3 variant alleles, 3 heterozygotes.

Genetic Services Laboratory, University of Chicago
Classification: Uncertain significance. Last evaluated: 2014-07-03. Review status: criteria provided, single submitter. Criteria: ACMG Guidelines, 2015. Collection method: clinical testing. Allele origin: germline.

PreventionGenetics, part of Exact Sciences
Classification: Likely benign for ST3GAL3-related condition. Last evaluated: 2024-07-10. Review status: no assertion criteria provided. Collection method: clinical testing. Allele origin: germline. Not counted in ClinVar's aggregate classification.
Comment: This variant is classified as likely benign based on ACMG/AMP sequence variant interpretation guidelines (Richards et al. 2015 PMID: 25741868, with internal and published modifications).

Clinical Genetics DNA and cytogenetics Diagnostics Lab, Erasmus MC, Erasmus Medical Center
Classification: Likely benign. Review status: no assertion criteria provided. Collection method: clinical testing. Allele origin: germline. Affected: yes. Study: VKGL Data-share Consensus. Not counted in ClinVar's aggregate classification.

Genome Diagnostics Laboratory, University Medical Center Utrecht
Classification: Likely benign. Review status: no assertion criteria provided. Collection method: clinical testing. Allele origin: germline. Affected: yes. Study: VKGL Data-share Consensus. Not counted in ClinVar's aggregate classification.

NM_006279.5(ST3GAL3):c.118+10G>C

Gene: ST3GAL3 (ST3 beta-galactoside alpha-2,3-sialyltransferase 3; plus strand). Cytogenetic location: 1p34.1.
Variant type: single nucleotide variant.
Coding change: c.118+10G>C on transcript NM_006279.5 (MANE Select); 10 bases into the intron after coding-DNA position 118, G replaced by C.
Molecular consequence: intron variant. On other transcripts: missense variant (6).
Genome position (GRCh38, 1-based): chr1:43,736,390, G>C. VCF-style: chr1-43736390-G-C. GRCh37 (hg19) VCF-style: chr1-44202061-G-C.
Other names: c.128G>C, p.Ser43Thr (NM_001270463.3, NM_001270465.3, NM_001350619.2 and 3 more transcripts); c.118+10G>C (NM_174968.5, NM_001363573.2, NM_001350620.2 and 11 more transcripts); c.-336+10G>C (NM_001350621.2); short protein forms S43T.
Identifiers: ClinVar variation 195263 (VCV000195263.49), dbSNP rs147330005, ClinGen allele CA205504.